The following is an entry in ClinVar:

ClinVar aggregate classification (germline): Likely benign (1 of 4 stars; one submission).

gnomAD v4.1: 1,372 of 1,614,188 alleles (0.085%); highest among the groups gnomAD compares: Non-Finnish European, 0.11%; 1 homozygote.

Submission:

CeGaT Center for Human Genetics Tuebingen
Classification: Likely benign. Last evaluated: 2025-06-01. Review status: criteria provided, single submitter. Criteria: CeGaT Center For Human Genetics Tuebingen Variant Classification Criteria Version 2. Collection method: clinical testing. Allele origin: germline. Affected: yes. Observed: 1 variant allele.
Comment: CCDC9: BP4, BS2

NM_015603.3(CCDC9):c.926C>T (p.Ala309Val)

Gene: CCDC9 (coiled-coil domain containing 9; plus strand). Cytogenetic location: 19q13.32.
Variant type: single nucleotide variant.
Coding change: c.926C>T on transcript NM_015603.3 (MANE Select); coding-DNA position 926, C replaced by T.
Protein change: p.Ala309Val; replaces alanine 309 with valine.
Molecular consequence: missense variant.
Genome position (GRCh38, 1-based): chr19:47,270,430, C>T. VCF-style: chr19-47270430-C-T. GRCh37 (hg19) VCF-style: chr19-47773687-C-T.
Other names: short protein forms A309V.
Identifiers: ClinVar variation 4083709 (VCV004083709.8).
Genomic context (GRCh38, chr19:47,270,430, plus strand): 5'-CCCCCAGCTGCCCGCTCACCCGTTATCTTTCCCCCAGGTTCAAGGATGGCCCAGTCCCTG[C>T]CCATGAACCATCCCACCGCTATGGTGAGTGGGTGCCCTTGGATGAGCTGAGGCTCGGTCT-3'
Protein context (NP_056418.1, residues 299-319): DGMFKDGPVP[Ala309Val]HEPSHRYDDQ